The following is an entry in ClinVar:

NM_005996.4(TBX3):c.1762A>C (p.Met588Leu)

Gene: TBX3 (T-box transcription factor 3; minus strand). Cytogenetic location: 12q24.21.
Variant type: single nucleotide variant.
Coding change: c.1762A>C on transcript NM_005996.4 (MANE Select); coding-DNA position 1762, A replaced by C.
Protein change: p.Met588Leu; replaces methionine 588 with leucine.
Molecular consequence: missense variant.
Genome position (GRCh38, 1-based): chr12:114,672,251, T>G on the plus strand (A>C on the coding strand, the complement: TBX3 is on the minus strand). VCF-style: chr12-114672251-T-G. GRCh37 (hg19) VCF-style: chr12-115110056-T-G.
Other names: c.1822A>C, p.Met608Leu (NM_016569.4); c.1822A>C (NM_016569.3); short protein forms M588L, M608L.
Identifiers: ClinVar variation 2464816 (VCV002464816.3), dbSNP rs755321111, ClinGen allele CA6809852.

ClinVar aggregate classification (germline): Uncertain significance. Review status: criteria provided, multiple submitters, no conflicts (2 of 4 stars). 2 submissions from 2 submitters: Uncertain significance (2). Last evaluated 2026-05-08.

Conditions:
TBX3-related disorder. Also called: TBX3-related condition.
Inborn genetic diseases. Identifiers: MedGen C0950123, MeSH D030342.

gnomAD v4.1: 9 of 1,576,336 alleles (0.00057%); highest among the groups gnomAD compares: Admixed American, 0.015%; no homozygotes.

Submissions (2):

PreventionGenetics, part of Exact Sciences
Classification: Uncertain significance for TBX3-related condition. Last evaluated: 2026-05-08. Review status: criteria provided, single submitter. Criteria: ACMG Guidelines, 2015. Collection method: clinical testing. Allele origin: germline.
Comment: The TBX3 c.1822A>C variant is predicted to result in the amino acid substitution p.Met608Leu. To our knowledge, this variant has not been reported in the literature. This variant is reported in 0.018% of alleles in individuals of Latino descent in gnomAD. Although we suspect this variant is benign, at this time, the clinical significance of this variant is uncertain due to the absence of conclusive functional and genetic evidence.

Ambry Genetics
Classification: Uncertain significance for Inborn genetic diseases. Last evaluated: 2023-02-06. Review status: criteria provided, single submitter. Criteria: Ambry Variant Classification Scheme 2023. Collection method: clinical testing. Allele origin: germline.